The following is an entry in ClinVar:

NM_001854.4(COL11A1):c.3956C>T (p.Pro1319Leu)

Gene: COL11A1 (collagen type XI alpha 1 chain; minus strand). Cytogenetic location: 1p21.1.
Variant type: single nucleotide variant.
Coding change: c.3956C>T on transcript NM_001854.4 (MANE Select); coding-DNA position 3956, C replaced by T.
Protein change: p.Pro1319Leu; replaces proline 1319 with leucine.
Molecular consequence: missense variant. On other transcripts: non-coding transcript variant (1).
Genome position (GRCh38, 1-based): chr1:102,914,374, G>A on the plus strand (C>T on the coding strand, the complement: COL11A1 is on the minus strand). VCF-style: chr1-102914374-G-A. GRCh37 (hg19) VCF-style: chr1-103379930-G-A.
Other names: c.3839C>T, p.Pro1280Leu (NM_001190709.2); c.3992C>T, p.Pro1331Leu (NM_080629.3); c.3608C>T, p.Pro1203Leu (NM_080630.4); short protein forms P1319L, P1331L, P1203L, P1280L.
Identifiers: ClinVar variation 3659937 (VCV003659937.2).
Genomic context (GRCh38, chr1:102,914,374, plus strand): 5'-ACTCCAAAATAATTTCTTGATTTTTCCCTGATACTTACTGCAGGGCCAGGTTCCCCAGGA[G>A]GACCAGGATCTCCAGGAAAACCAACAGGACCCTAGAATGACGTTTTGAAAGAAAAAGAAA-3'
Protein context (NP_001845.3, residues 1309-1329): GPVGFPGDPG[Pro1319Leu]PGEPGPAGQD

ClinVar aggregate classification (germline): Uncertain significance (1 of 4 stars; one submission).

Submission:

Labcorp Genetics (formerly Invitae), Labcorp
Classification: Uncertain significance. Last evaluated: 2024-07-19. Review status: criteria provided, single submitter. Criteria: Invitae Variant Classification Sherloc (09022015). Collection method: clinical testing. Allele origin: germline.
Comment: This sequence change replaces proline, which is neutral and non-polar, with leucine, which is neutral and non-polar, at codon 1319 of the COL11A1 protein (p.Pro1319Leu). This variant is not present in population databases (gnomAD no frequency). This variant has not been reported in the literature in individuals affected with COL11A1-related conditions. Advanced modeling of protein sequence and biophysical properties (such as structural, functional, and spatial information, amino acid conservation, physicochemical variation, residue mobility, and thermodynamic stability) performed at Invitae indicates that this missense variant is not expected to disrupt COL11A1 protein function with a negative predictive value of 95%. In summary, the available evidence is currently insufficient to determine the role of this variant in disease. Therefore, it has been classified as a Variant of Uncertain Significance.